The following is an entry in ClinVar:

NM_007315.4(STAT1):c.276T>A (p.Asp92Glu)

Gene: STAT1 (signal transducer and activator of transcription 1; minus strand). Cytogenetic location: 2q32.2.
Variant type: single nucleotide variant.
Coding change: c.276T>A on transcript NM_007315.4 (MANE Select); coding-DNA position 276, T replaced by A.
Protein change: p.Asp92Glu; replaces aspartic acid 92 with glutamic acid.
Molecular consequence: missense variant.
Genome position (GRCh38, 1-based): chr2:191,007,659, A>T on the plus strand (T>A on the coding strand, the complement: STAT1 is on the minus strand). VCF-style: chr2-191007659-A-T. GRCh37 (hg19) VCF-style: chr2-191872385-A-T.
Other names: c.276T>A, p.Asp92Glu (NM_001384880.1, NM_001384882.1, NM_001384883.1 and 7 more transcripts); c.282T>A, p.Asp94Glu (NM_001384881.1, NM_001384884.1); c.312T>A, p.Asp104Glu (NM_001384891.1); short protein forms D104E, D92E, D94E.
Identifiers: ClinVar variation 3343925 (VCV003343925.1).

ClinVar aggregate classification (germline): Uncertain significance (1 of 4 stars; one submission).

Submission:

GeneDx
Classification: Uncertain significance. Last evaluated: 2023-10-08. Review status: criteria provided, single submitter. Criteria: GeneDx Variant Classification Process June 2021. Collection method: clinical testing. Allele origin: germline. Affected: yes.
Comment: Not observed at significant frequency in large population cohorts (gnomAD); In silico analysis supports that this missense variant does not alter protein structure/function; Has not been previously published as pathogenic or benign to our knowledge